The following is an entry in ClinVar:

ClinVar aggregate classification (germline): Uncertain significance (1 of 4 stars; one submission).

Submission:

GeneDx
Classification: Uncertain significance. Last evaluated: 2019-07-01. Review status: criteria provided, single submitter. Criteria: GeneDx Variant Classification Process June 2021. Collection method: clinical testing. Allele origin: germline. Affected: yes.
Comment: Not observed in large population cohorts (Lek et al., 2016); In silico analysis, which includes splice predictors and evolutionary conservation, supports a deleterious effect; Has not been previously published as pathogenic or benign to our knowledge

NM_003070.5(SMARCA2):c.4595-11T>A

Gene: SMARCA2 (SWI/SNF related, matrix associated, actin dependent regulator of chromatin, subfamily a, member 2; plus strand). Cytogenetic location: 9p24.3.
Variant type: single nucleotide variant.
Coding change: c.4595-11T>A on transcript NM_003070.5 (MANE Select); 11 bases into the intron before coding-DNA position 4595, T replaced by A.
Molecular consequence: intron variant.
Genome position (GRCh38, 1-based): chr9:2,191,255, T>A. VCF-style: chr9-2191255-T-A. GRCh37 (hg19) VCF-style: chr9-2191255-T-A.
Other names: c.4541-11T>A (NM_139045.4); c.4367-11T>A (NM_001289397.2); c.4595-11T>A (NM_001289396.2); c.569-11T>A (NM_001289398.2); c.659-11T>A (NM_001289400.2); c.653-11T>A (NM_001289399.2).
Identifiers: ClinVar variation 1306417 (VCV001306417.2), dbSNP rs2130003508, ClinGen allele CA2573053158.